The following is an entry in ClinVar:

NM_006618.5(KDM5B):c.3036C>T (p.Asp1012=)

Gene: KDM5B (lysine demethylase 5B; minus strand). Cytogenetic location: 1q32.1.
Variant type: single nucleotide variant.
Coding change: c.3036C>T on transcript NM_006618.5 (MANE Select); coding-DNA position 3036, C replaced by T.
Protein change: p.Asp1012=; no amino-acid change (aspartic acid 1012 retained).
Molecular consequence: synonymous variant.
Genome position (GRCh38, 1-based): chr1:202,740,722, G>A on the plus strand (C>T on the coding strand, the complement: KDM5B is on the minus strand). VCF-style: chr1-202740722-G-A. GRCh37 (hg19) VCF-style: chr1-202709850-G-A.
Other names: c.3144C>T, p.Asp1048= (NM_001314042.2); c.2901C>T, p.Asp967= (NM_001347591.2); c.3021C>T, p.Asp1007= (NM_001399817.1).
Identifiers: ClinVar variation 3041398 (VCV003041398.2), dbSNP rs769873701, ClinGen allele CA1334286.

ClinVar aggregate classification (germline): Likely benign (0 of 4 stars; one submission).

Conditions:
KDM5B-related disorder. Also called: KDM5B-related condition.

Allele frequency attached by ClinVar (database versions not stated): TOPMed below 0.00001; gnomAD exomes 0.00001; ExAC 0.00002; gnomAD 0.00002.
gnomAD v4.1: 19 of 1,612,780 alleles (0.0012%); highest among the groups gnomAD compares: South Asian, 0.02%; no homozygotes.

Submission:

PreventionGenetics, part of Exact Sciences
Classification: Likely benign for KDM5B-related condition. Last evaluated: 2019-05-17. Review status: no assertion criteria provided. Collection method: clinical testing. Allele origin: germline.
Comment: This variant is classified as likely benign based on ACMG/AMP sequence variant interpretation guidelines (Richards et al. 2015 PMID: 25741868, with internal and published modifications).